The following is an entry in ClinVar:

ClinVar aggregate classification (germline): Uncertain significance. Review status: criteria provided, multiple submitters, no conflicts (2 of 4 stars). 2 submissions from 2 submitters: Uncertain significance (2). Last evaluated 2025-01-13.

Conditions:
Inborn genetic diseases. Identifiers: MedGen C0950123, MeSH D030342.

Allele frequency attached by ClinVar (database versions not stated): gnomAD exomes 0.00002; TOPMed 0.00003; ExAC 0.00004; gnomAD 0.00004.
gnomAD v4.1: 33 of 1,606,854 alleles (0.0021%); highest among the groups gnomAD compares: South Asian, 0.017%; no homozygotes.

Submissions (2):

GeneDx
Classification: Uncertain significance. Last evaluated: 2025-01-13. Review status: criteria provided, single submitter. Criteria: GeneDx Variant Classification Process June 2021. Collection method: clinical testing. Allele origin: germline. Affected: yes.
Comment: In silico analysis indicates that this missense variant does not alter protein structure/function; Has not been previously published as pathogenic or benign to our knowledge

Ambry Genetics
Classification: Uncertain significance for Inborn genetic diseases. Last evaluated: 2023-02-28. Review status: criteria provided, single submitter. Criteria: Ambry Variant Classification Scheme 2023. Collection method: clinical testing. Allele origin: germline.

NM_017755.6(NSUN2):c.1870A>G (p.Met624Val)

Gene: NSUN2 (NOP2/Sun RNA methyltransferase 2; minus strand). Cytogenetic location: 5p15.31.
Variant type: single nucleotide variant.
Coding change: c.1870A>G on transcript NM_017755.6 (MANE Select); coding-DNA position 1870, A replaced by G.
Protein change: p.Met624Val; replaces methionine 624 with valine.
Molecular consequence: missense variant. On other transcripts: non-coding transcript variant (1).
Genome position (GRCh38, 1-based): chr5:6,604,225, T>C on the plus strand (A>G on the coding strand, the complement: NSUN2 is on the minus strand). VCF-style: chr5-6604225-T-C. GRCh37 (hg19) VCF-style: chr5-6604338-T-C.
Other names: c.1765A>G, p.Met589Val (NM_001193455.2); short protein forms M589V, M624V.
Identifiers: ClinVar variation 2468882 (VCV002468882.3), dbSNP rs780042180, ClinGen allele CA3192280.